The following is an entry in ClinVar:

ClinVar aggregate classification (germline): Uncertain significance. Review status: criteria provided, multiple submitters, no conflicts (2 of 4 stars). 8 submissions from 8 submitters: Uncertain significance (7). 1 of the submissions does not count toward it. Last evaluated 2026-01-21.

Conditions:
Cardiac arrhythmia. Also called: Arrhythmia; Cardiac rhythm disease. Identifiers: MedGen C0003811, MONDO:0007263, HP:0011675.
Cardiovascular phenotype. Identifiers: MedGen CN230736.
KCNQ1-related disorder. Also called: KCNQ1-related condition; KCNQ1-related disorders. Identifiers: MedGen CN239322.
Familial long QT syndrome (RWS). Also called: Congenital long QT syndrome; Romano-Ward syndrome; VENTRICULAR FIBRILLATION WITH PROLONGED QT INTERVAL. Identifiers: Orphanet 768, MedGen C1141890, MONDO:0019171.
Long QT syndrome (LQTS). Identifiers: MedGen C0023976, MeSH D008133, MONDO:0002442. Disease mechanism: loss of function. Inheritance: Various modes of inheritance.

Allele frequency attached by ClinVar (database versions not stated): ExAC 0.00001; gnomAD 0.00001; gnomAD exomes 0.00001; TOPMed 0.00001.
gnomAD v4.1: 31 of 1,613,818 alleles (0.0019%); highest among the groups gnomAD compares: Non-Finnish European, 0.0025%; no homozygotes.

Submissions (8):

PreventionGenetics, part of Exact Sciences
Classification: Uncertain significance for KCNQ1-related condition. Last evaluated: 2026-01-21. Review status: criteria provided, single submitter. Criteria: ACMG Guidelines, 2015. Collection method: clinical testing. Allele origin: germline.
Comment: The KCNQ1 c.394A>C variant is predicted to result in the amino acid substitution p.Ile132Leu. This variant was reported in an individual with long QT syndrome (Table S1, Hedley et al. 2009. PubMed ID: 19862833) and an in vitro study found this variant impacted protein function (Huang et al. 2018. PubMed ID: 29532034). This variant is reported in 0.0018% of alleles in individuals of European (Non-Finnish) descent in gnomAD. At this time, the clinical significance of this variant is uncertain due to the absence of conclusive functional and genetic evidence.

GeneDx
Classification: Uncertain significance. Last evaluated: 2025-01-17. Review status: criteria provided, single submitter. Criteria: GeneDx Variant Classification Process June 2021. Collection method: clinical testing. Allele origin: germline. Affected: yes.
Comment: Reported in association with a KCNQ1-related disorder; however, no clinical information was provided (PMID: 19862833); Not observed at significant frequency in large population cohorts (gnomAD); In silico analysis indicates that this missense variant does not alter protein structure/function; This variant is associated with the following publications: (PMID: 29532034, 22581653, 30571187, 19862833)

All of Us Research Program, National Institutes of Health
Classification: Uncertain significance for Long QT syndrome. Last evaluated: 2024-05-14. Review status: criteria provided, single submitter. Criteria: ACMG Guidelines, 2015. Collection method: clinical testing. Allele origin: germline. Inheritance: Autosomal dominant inheritance. Observed: 6 variant alleles, 6 heterozygotes.
Comment: This missense variant replaces isoleucine with leucine at codon 132 of the KCNQ1 protein. Computational prediction is inconclusive regarding the impact of this variant on protein structure and function (internally defined REVEL score threshold 0.5 < inconclusive < 0.7, PMID: 27666373). Functional studies have shown that this variant has no impact on peak current density but affects the deactivation kinetics of the potassium channel (PMID: 29532034, 30571187). This variant has not been reported in individuals affected with cardiovascular disorders in the literature. This variant has been identified in 2/251400 chromosomes in the general population by the Genome Aggregation Database (gnomAD). The available evidence is insufficient to determine the role of this variant in disease conclusively. Therefore, this variant is classified as a Variant of Uncertain Significance.

This study involves interpretation of variants in research participants for the purpose of population health screening. Participant phenotype was not available at the time of variant classification. Additional details can be found in publication PMID: 35346344, PMCID: PMC8962531

Color Diagnostics, LLC DBA Color Health
Classification: Uncertain significance for Cardiac arrhythmia. Last evaluated: 2024-05-02. Review status: criteria provided, single submitter. Criteria: ACMG Guidelines, 2015. Collection method: clinical testing. Allele origin: germline.
Comment: This missense variant replaces isoleucine with leucine at codon 132 of the KCNQ1 protein. Computational prediction is inconclusive regarding the impact of this variant on protein structure and function (internally defined REVEL score threshold 0.5 < inconclusive < 0.7, PMID: 27666373). Functional studies have shown that this variant has no impact on peak current density but affects the deactivation kinetics of the potassium channel (PMID: 29532034, 30571187). This variant has not been reported in individuals affected with cardiovascular disorders in the literature. This variant has been identified in 2/251400 chromosomes in the general population by the Genome Aggregation Database (gnomAD). The available evidence is insufficient to determine the role of this variant in disease conclusively. Therefore, this variant is classified as a Variant of Uncertain Significance.

Laboratory for Molecular Medicine, Mass General Brigham Personalized Medicine
Classification: Uncertain significance. Last evaluated: 2023-04-21. Review status: criteria provided, single submitter. Criteria: ACMG Guidelines, 2015. Collection method: clinical testing. Allele origin: germline.
Comment: The p.Ile132Leu variant in KCNQ1 has not been previously reported in individuals with long QT syndrome but has been identified in 0.0015% (1/68002) of European chromosomes by gnomAD. This variant has also been reported in ClinVar (Variation ID 53040). Computational prediction tools and conservation analyses do not provide strong support for or against an impact to the protein. In vitro functional studies provide some evidence that this variant impacts protein function (Huang 2018 PMID: 29532034, Vanoye 2018 PMID: 30571187); however, these types of assays may not accurately represent biological function. In summary, the clinical significance of this variant is uncertain. ACMG/AMP Criteria applied: PM2_Supporting, PS3_Supporting.

Labcorp Genetics (formerly Invitae), Labcorp
Classification: Uncertain significance for Long QT syndrome. Last evaluated: 2021-10-14. Review status: criteria provided, single submitter. Criteria: Invitae Variant Classification Sherloc (09022015). Collection method: clinical testing. Allele origin: germline.

Ambry Genetics
Classification: Uncertain significance for Cardiovascular phenotype. Last evaluated: 2020-01-15. Review status: criteria provided, single submitter. Criteria: Ambry Variant Classification Scheme 2023. Collection method: clinical testing. Allele origin: germline.

Cardiovascular Biomedical Research Unit, Royal Brompton & Harefield NHS Foundation Trust
No classification provided. Condition: Familial long QT syndrome. Review status: no classification provided. Collection method: literature only. Allele origin: germline. Not counted in ClinVar's aggregate classification.
Comment: This variant has been reported as associated with Long QT syndrome in the following publications (PMID:19862833). This is a literature report, and does not necessarily reflect the clinical interpretation of the Imperial College / Royal Brompton Cardiovascular Genetics laboratory.

Literature cited by the submitters: PubMed 29532034 (cited by All of Us Research Program, National Institutes of Health and Color Diagnostics, LLC DBA Color Health); PubMed 30571187 (cited by All of Us Research Program, National Institutes of Health and Color Diagnostics, LLC DBA Color Health); PubMed 19862833 (cited by Cardiovascular Biomedical Research Unit, Royal Brompton & Harefield NHS Foundation Trust); PubMed 22581653 (cited by Cardiovascular Biomedical Research Unit, Royal Brompton & Harefield NHS Foundation Trust).

NM_000218.3(KCNQ1):c.394A>C (p.Ile132Leu)

Gene: KCNQ1 (potassium voltage-gated channel subfamily Q member 1; plus strand). Cytogenetic location: 11p15.5.
Variant type: single nucleotide variant.
Coding change: c.394A>C on transcript NM_000218.3 (MANE Select); coding-DNA position 394, A replaced by C.
Protein change: p.Ile132Leu; replaces isoleucine 132 with leucine.
Molecular consequence: missense variant.
Genome position (GRCh38, 1-based): chr11:2,527,935, A>C. VCF-style: chr11-2527935-A-C. GRCh37 (hg19) VCF-style: chr11-2549165-A-C.
Other names: c.394A>C (LRG_287t1); c.394A>C, p.Ile132Leu (NM_001406836.1, NM_001406838.1); c.124A>C, p.Ile42Leu (NM_001406837.1); c.13A>C, p.Ile5Leu (NM_181798.2); short protein forms I132L, I5L, I42L.
Identifiers: ClinVar variation 53040 (VCV000053040.13), dbSNP rs199472684, ClinGen allele CA006975.